The following is an entry in ClinVar:

ClinVar aggregate classification (germline): Uncertain significance (1 of 4 stars; one submission).

Conditions:
Duchenne muscular dystrophy (DMD). Also called: MUSCULAR DYSTROPHY, PSEUDOHYPERTROPHIC PROGRESSIVE, DUCHENNE TYPE; Duchenne Muscular Dystrophy (DMD). Identifiers: Orphanet 98896, MedGen C0013264, MONDO:0010679, OMIM 310200.

Submission:

Labcorp Genetics (formerly Invitae), Labcorp
Classification: Uncertain significance for Duchenne muscular dystrophy. Last evaluated: 2022-10-03. Review status: criteria provided, single submitter. Criteria: Invitae Variant Classification Sherloc (09022015). Collection method: clinical testing. Allele origin: germline.
Comment: This variant results in a copy number gain of the genomic region encompassing exon(s) 13 of the DMD gene. While the exact position of this variant cannot be determined from the data, sub-genic copy number gains are generally in tandem (PMID: 25640679). This variant is predicted to be in-frame, and likely preserves the integrity of the reading frame. This variant has not been reported in the literature in individuals affected with DMD-related conditions. In summary, the available evidence is currently insufficient to determine the role of this variant in disease. Therefore, it has been classified as a Variant of Uncertain Significance.

Literature cited by the submitters: PubMed 25640679.

NC_000023.10:g.(?_32613854)_(32614013_?)dup

Gene: DMD (dystrophin; minus strand). Cytogenetic location: Xp21.1.
Variant type: Duplication.
Identifiers: ClinVar variation 1411014 (VCV001411014.5).